The following is an entry in ClinVar:

ClinVar aggregate classification (germline): Uncertain significance (1 of 4 stars; one submission).

Submission:

Labcorp Genetics (formerly Invitae), Labcorp
Classification: Uncertain significance. Last evaluated: 2023-03-24. Review status: criteria provided, single submitter. Criteria: Invitae Variant Classification Sherloc (09022015). Collection method: clinical testing. Allele origin: germline.
Comment: In summary, the available evidence is currently insufficient to determine the role of this variant in disease. Therefore, it has been classified as a Variant of Uncertain Significance. This variant has not been reported in the literature in individuals affected with PRPF4-related conditions. This variant results in a copy number gain of the genomic region encompassing exon(s) 1 of the PRPF4 gene. This region includes the initiator codon of the gene. This copy number gain extends beyond the assayed region for this gene and therefore may encompass additional genes. As the precise location of this event is unknown, it may be in tandem or it may be located elsewhere in the genome.

NC_000009.11:g.(?_116037910)_(116038070_?)dup

Gene: PRPF4 (pre-mRNA splicing tri-snRNP complex factor PRPF4; plus strand). Cytogenetic location: 9q32.
Variant type: Duplication.
Identifiers: ClinVar variation 2425200 (VCV002425200.4).